The following is an entry in ClinVar:

NM_024675.4(PALB2):c.2335T>C (p.Ser779Pro)

Gene: PALB2 (partner and localizer of BRCA2; minus strand). Cytogenetic location: 16p12.2.
Variant type: single nucleotide variant.
Coding change: c.2335T>C on transcript NM_024675.4 (MANE Select); coding-DNA position 2335, T replaced by C.
Protein change: p.Ser779Pro; replaces serine 779 with proline.
Molecular consequence: missense variant.
Genome position (GRCh38, 1-based): chr16:23,629,819, A>G on the plus strand (T>C on the coding strand, the complement: PALB2 is on the minus strand). VCF-style: chr16-23629819-A-G. GRCh37 (hg19) VCF-style: chr16-23641140-A-G.
Other names: c.2275T>C, p.Ser759Pro (NM_001407296.1); c.2335T>C, p.Ser779Pro (NM_001407297.1, NM_001407298.1, NM_001407299.1 and 3 more transcripts); c.1450T>C, p.Ser484Pro (NM_001407304.1, NM_001407305.1, NM_001407306.1 and 5 more transcripts); c.547T>C, p.Ser183Pro (NM_001407312.1, NM_001407313.1); short protein forms S183P, S484P, S759P, S779P.
Identifiers: ClinVar variation 2091265 (VCV002091265.4), dbSNP rs1064793640, ClinGen allele CA395125003.

ClinVar aggregate classification (germline): Uncertain significance (1 of 4 stars; one submission).

Conditions:
Familial cancer of breast. Also called: hereditary breast carcinoma; BREAST CANCER, FAMILIAL; Hereditary breast cancer. Identifiers: Orphanet 227535, MedGen C0346153, MONDO:0016419, OMIM 114480. Disease mechanism: loss of function.

Submission:

Labcorp Genetics (formerly Invitae), Labcorp
Classification: Uncertain significance for Familial cancer of breast. Last evaluated: 2022-04-20. Review status: criteria provided, single submitter. Criteria: Invitae Variant Classification Sherloc (09022015). Collection method: clinical testing. Allele origin: germline.
Comment: This sequence change replaces serine, which is neutral and polar, with proline, which is neutral and non-polar, at codon 779 of the PALB2 protein (p.Ser779Pro). This variant is not present in population databases (gnomAD no frequency). This variant has not been reported in the literature in individuals affected with PALB2-related conditions. Algorithms developed to predict the effect of missense changes on protein structure and function (SIFT, PolyPhen-2, Align-GVGD) all suggest that this variant is likely to be tolerated. In summary, the available evidence is currently insufficient to determine the role of this variant in disease. Therefore, it has been classified as a Variant of Uncertain Significance.